The following is an entry in ClinVar:

NM_001077350.3(NPRL3):c.1375_1376dup (p.Ser460fs)

Genes: HBA-LCR (alpha-globin locus control region; plus strand), NPRL3 (NPR3 like, GATOR1 complex subunit; minus strand). Cytogenetic location: 16p13.3.
Variant type: Duplication.
Coding change: c.1375_1376dup on transcript NM_001077350.3 (MANE Select); coding-DNA positions 1375 to 1376, 2 bases duplicated (AC; older notation c.1375_1376dupAC).
Protein change: p.Ser460fs; shifts the reading frame from serine 460.
Molecular consequence: frameshift variant.
Genome position (GRCh38, 1-based): chr16:88,866-88,867, GT duplicated on the plus strand (AC on the coding strand, the reverse complement: NPRL3 is on the minus strand); duplicating any 2 consecutive bases within chr16:88,866-88,868 gives the same sequence; the c. name uses the placement nearest the transcript's 3' end. VCF-style (leftmost placement, unchanged base first): chr16-88865-G-GGT. GRCh37 (hg19) VCF-style: chr16-138863-G-GGT.
Other names: c.1300_1301dup, p.Ser435fs (NM_001243249.2, NM_001243248.2); c.838_839dup, p.Ser281fs (NM_001039476.3); c.1141_1142dup, p.Ser382fs (NM_001243247.2); c.1375_1376dupAC (NM_001077350.2); short protein forms S460fs, S281fs, S435fs, S382fs.
Identifiers: ClinVar variation 254359 (VCV000254359.3), dbSNP rs886037960, ClinGen allele CA10586472.

ClinVar aggregate classification (germline): Pathogenic. Review status: criteria provided, single submitter (1 of 4 stars). 2 submissions from 2 submitters: Pathogenic (1). 1 of the submissions does not count toward it. Last evaluated 2022-02-02.

Conditions:
Epilepsy, familial focal, with variable foci 3 (FFEVF3). Identifiers: MedGen C4310708, MONDO:0014925, OMIM 617118.

Submissions (2):

Victorian Clinical Genetics Services, Murdoch Childrens Research Institute
Classification: Pathogenic for Epilepsy, familial focal, with variable foci 3. Last evaluated: 2022-02-02. Review status: criteria provided, single submitter. Criteria: ACMG Guidelines, 2015. Collection method: clinical testing. Allele origin: germline. Inheritance: Autosomal dominant inheritance.
Comment: Based on the classification scheme VCGS_Germline_v1.3.4, this variant is classified as Pathogenic. Following criteria are met: 0102 - Loss of function is a known mechanism of disease in this gene and is associated with familial focal epilepsy with variable foci 3 (MIM #617118). (I) 0107 - This gene is associated with autosomal dominant disease. (I) 0112 - The condition associated with this gene has incomplete penetrance. Incomplete penetrance has been observed in multiple families in which unaffected family members had the pathogenic variant (PMID: 26505888). (I) 0201 - Variant is predicted to cause nonsense-mediated decay (NMD) and loss of protein (premature termination codon is located at least 54 nucleotides upstream of the final exon-exon junction). (SP) 0251 - This variant is heterozygous. (I) 0301 - Variant is absent from gnomAD (both v2 and v3). (SP) 0701 - Other NMD predicted variants comparable to the one identified in this case have very strong previous evidence for pathogenicity. Other variants predicted to cause NMD have been reported as pathogenic in individuals with familial focal epilepsy (ClinVar). (SP) 0803 - This variant has limited previous evidence of pathogenicity in unrelated individuals. This variant has been previously reported in two families with focal epilepsy (PMID: 26505888, PMID: 26285051). (SP) 1208 - Inheritance information for this variant is not currently available in this individual. (I) Legend: (SP) - Supporting pathogenic, (I) - Information, (SB) - Supporting benign

OMIM
Classification: Pathogenic for EPILEPSY, FAMILIAL FOCAL, WITH VARIABLE FOCI 3. Last evaluated: 2016-09-22. Review status: no assertion criteria provided. Collection method: literature only. Allele origin: germline. Not counted in ClinVar's aggregate classification.

Literature cited by the submitters: PubMed 26285051 (cited by Victorian Clinical Genetics Services, Murdoch Childrens Research Institute and OMIM); PubMed 26505888 (cited by Victorian Clinical Genetics Services, Murdoch Childrens Research Institute and OMIM).